The following is an entry in ClinVar:

ClinVar aggregate classification (germline): Uncertain significance (1 of 4 stars; one submission).

Conditions:
MELAS syndrome (MELAS). Also called: Juvenile myopathy, encephalopathy, lactic acidosis, stroke. Identifiers: Orphanet 550, MedGen C0162671, MONDO:0010789, OMIM 540000.

Submission:

Wong Mito Lab, Molecular and Human Genetics, Baylor College of Medicine
Classification: Uncertain significance for MELAS syndrome. Last evaluated: 2019-07-12. Review status: criteria provided, single submitter. Criteria: Modified ACMG Guidelines (Unpublished). Collection method: clinical testing. Allele origin: germline.
Comment: The NC_012920.1:m.12218C>A variant in MT-TS2 gene is interpreted to be a Unknown Significance variant based on the modified ACMG guidelines (unpublished). This variant meets the following evidence codes reported in the guidelines: BP4, PP6, PP7

Literature cited by the submitters: PubMed 31965079.

NC_012920.1(MT-TS2):m.12218C>A

Gene: MT-TS2 (mitochondrially encoded tRNA serine 2 (AGU/C); plus strand).
Variant type: single nucleotide variant.
Genome position: chrM-12218-C-A.
Identifiers: ClinVar variation 690162 (VCV000690162.1), dbSNP rs1603223621, ClinGen allele CA913169748.